The following is an entry in ClinVar:

ClinVar aggregate classification (germline): Benign (0 of 4 stars; one submission).

Conditions:
SHROOM2-related disorder. Also called: SHROOM2-related condition.

Allele frequency attached by ClinVar (database versions not stated): gnomAD exomes 0.00151; ExAC 0.01157; gnomAD 0.01471; 1000 Genomes Project 0.01536; ESP Exome Variant Server 0.01543; 1000 Genomes Project 30x 0.01602; TOPMed 0.01748.

Submission:

PreventionGenetics, part of Exact Sciences
Classification: Benign for SHROOM2-related condition. Last evaluated: 2019-07-12. Review status: no assertion criteria provided. Collection method: clinical testing. Allele origin: germline.
Comment: This variant is classified as benign based on ACMG/AMP sequence variant interpretation guidelines (Richards et al. 2015 PMID: 25741868, with internal and published modifications).

NM_001649.4(SHROOM2):c.2859A>G (p.Ala953=)

Gene: SHROOM2 (shroom family member 2; plus strand). Cytogenetic location: Xp22.2.
Variant type: single nucleotide variant.
Coding change: c.2859A>G on transcript NM_001649.4 (MANE Select); coding-DNA position 2859, A replaced by G.
Protein change: p.Ala953=; no amino-acid change (alanine 953 retained).
Molecular consequence: synonymous variant.
Genome position (GRCh38, 1-based): chrX:9,898,258, A>G. VCF-style: chrX-9898258-A-G. GRCh37 (hg19) VCF-style: chrX-9866298-A-G.
Identifiers: ClinVar variation 3038364 (VCV003038364.2), dbSNP rs16985782, ClinGen allele CA10345635.
Genomic context (GRCh38, chrX:9,898,258, plus strand): 5'-TGTCGAACTGCGAAGGCAGGCAGGGGACCCCGGCGAGCCCAGAGAAGAGCTTCCCTCCGC[A>G]GTCCGGGCCGAGGAGGGACAGTCCACGCCGAGGTGGGTGAAATTTGGATTCAGAGTTACT-3'
Protein context (NP_001640.1, residues 943-963): PGEPREELPS[Ala953=]VRAEEGQSTP